The following is an entry in ClinVar:

ClinVar aggregate classification (germline): Uncertain significance (1 of 4 stars; one submission).

Conditions:
Familial cancer of breast. Also called: hereditary breast carcinoma; Hereditary breast cancer; BREAST CANCER, FAMILIAL. Identifiers: Orphanet 227535, MedGen C0346153, MONDO:0016419, OMIM 114480. Disease mechanism: loss of function.

Submission:

Labcorp Genetics (formerly Invitae), Labcorp
Classification: Uncertain significance for Familial cancer of breast. Last evaluated: 2024-04-22. Review status: criteria provided, single submitter. Criteria: Invitae Variant Classification Sherloc (09022015). Collection method: clinical testing. Allele origin: germline.
Comment: This sequence change falls in intron 3 of the BARD1 gene. It does not directly change the encoded amino acid sequence of the BARD1 protein. It affects a nucleotide within the consensus splice site. This variant is not present in population databases (gnomAD no frequency). This variant has not been reported in the literature in individuals affected with BARD1-related conditions. ClinVar contains an entry for this variant (Variation ID: 861196). Variants that disrupt the consensus splice site are a relatively common cause of aberrant splicing (PMID: 17576681, 9536098). In summary, the available evidence is currently insufficient to determine the role of this variant in disease. Therefore, it has been classified as a Variant of Uncertain Significance.

Literature cited by the submitters: PubMed 17576681; PubMed 9536098.

NM_000465.4(BARD1):c.365-2dup

Gene: BARD1 (BRCA1 associated RING domain 1; minus strand). Cytogenetic location: 2q35.
Variant type: Duplication.
Coding change: c.365-2dup on transcript NM_000465.4 (MANE Select); the canonical splice acceptor site of the intron before coding-DNA position 365, one base duplicated (A; older notation c.365-2dupA).
Molecular consequence: splice acceptor variant. On other transcripts: intron variant (3).
Genome position (GRCh38, 1-based): chr2:214,781,511, T duplicated on the plus strand (A on the coding strand, the reverse complement: BARD1 is on the minus strand). VCF-style (leftmost placement, unchanged base first): chr2-214781510-C-CT. GRCh37 (hg19) VCF-style: chr2-215646234-C-CT.
Other names: c.158+27901dup (NM_001282548.2); c.308-2dup (NM_001282543.2); c.215+15550dup (NM_001282545.2); c.364+10786dup (NM_001282549.2).
Identifiers: ClinVar variation 861196 (VCV000861196.11), dbSNP rs1695036151, ClinGen allele CA916082286.